The following is an entry in ClinVar:

ClinVar aggregate classification (germline): Uncertain significance (1 of 4 stars; one submission).

Allele frequency attached by ClinVar (database versions not stated): ExAC 0.00001; gnomAD exomes 0.00001.
gnomAD v4.1: 8 of 1,613,260 alleles (0.0005%); highest among the groups gnomAD compares: South Asian, 0.0022%; no homozygotes.

Submission:

Labcorp Genetics (formerly Invitae), Labcorp
Classification: Uncertain significance. Last evaluated: 2024-10-17. Review status: criteria provided, single submitter. Criteria: Invitae Variant Classification Sherloc (09022015). Collection method: clinical testing. Allele origin: germline.
Comment: This sequence change replaces methionine, which is neutral and non-polar, with isoleucine, which is neutral and non-polar, at codon 82 of the CLCN6 protein (p.Met82Ile). This variant is present in population databases (rs764723407, gnomAD 0.0009%). This variant has not been reported in the literature in individuals affected with CLCN6-related conditions. An algorithm developed to predict the effect of missense changes on protein structure and function outputs the following: PolyPhen-2: "Benign". The isoleucine amino acid residue is found in multiple mammalian species, which suggests that this missense change does not adversely affect protein function. In summary, the available evidence is currently insufficient to determine the role of this variant in disease. Therefore, it has been classified as a Variant of Uncertain Significance.

NM_001286.5(CLCN6):c.246G>A (p.Met82Ile)

Gene: CLCN6 (chloride voltage-gated channel 6; plus strand). Cytogenetic location: 1p36.22.
Variant type: single nucleotide variant.
Coding change: c.246G>A on transcript NM_001286.5 (MANE Select); coding-DNA position 246, G replaced by A.
Protein change: p.Met82Ile; replaces methionine 82 with isoleucine.
Molecular consequence: missense variant. On other transcripts: non-coding transcript variant (1).
Genome position (GRCh38, 1-based): chr1:11,816,647, G>A. VCF-style: chr1-11816647-G-A. GRCh37 (hg19) VCF-style: chr1-11876704-G-A.
Other names: c.180G>A, p.Met60Ile (NM_001256959.2); short protein forms M60I, M82I.
Identifiers: ClinVar variation 2779282 (VCV002779282.3), dbSNP rs764723407, ClinGen allele CA595958.